The following is an entry in ClinVar:

ClinVar aggregate classification (germline): Uncertain significance (1 of 4 stars; one submission).

Submission:

CeGaT Center for Human Genetics Tuebingen
Classification: Uncertain significance. Last evaluated: 2026-05-01. Review status: criteria provided, single submitter. Criteria: CeGaT Center For Human Genetics Tuebingen Variant Classification Criteria Version 2. Collection method: clinical testing. Allele origin: germline. Affected: yes. Observed: 1 variant allele.
Comment: MPZ: PM2, PM6:Supporting, PP3, PS4:Supporting

NM_000530.8(MPZ):c.737A>G (p.Asp246Gly)

Gene: MPZ (myelin protein zero; minus strand). Cytogenetic location: 1q23.3.
Variant type: single nucleotide variant.
Coding change: c.737A>G on transcript NM_000530.8 (MANE Select); coding-DNA position 737, A replaced by G.
Protein change: p.Asp246Gly; replaces aspartic acid 246 with glycine.
Molecular consequence: missense variant.
Genome position (GRCh38, 1-based): chr1:161,305,886, T>C on the plus strand (A>G on the coding strand, the complement: MPZ is on the minus strand). VCF-style: chr1-161305886-T-C. GRCh37 (hg19) VCF-style: chr1-161275676-T-C.
Other names: c.737A>G, p.Asp246Gly (NM_001315491.2); short protein forms D246G.
Identifiers: ClinVar variation 4874122 (VCV004874122.2).